The following is an entry in ClinVar:

NM_017551.3(GRID1):c.1022G>A (p.Arg341Gln)

Gene: GRID1 (glutamate ionotropic receptor delta type subunit 1; minus strand). Cytogenetic location: 10q23.1.
Variant type: single nucleotide variant.
Coding change: c.1022G>A on transcript NM_017551.3 (MANE Select); coding-DNA position 1022, G replaced by A.
Protein change: p.Arg341Gln; replaces arginine 341 with glutamine.
Molecular consequence: missense variant.
Genome position (GRCh38, 1-based): chr10:85,856,120, C>T on the plus strand (G>A on the coding strand, the complement: GRID1 is on the minus strand). VCF-style: chr10-85856120-C-T. GRCh37 (hg19) VCF-style: chr10-87615877-C-T.
Other names: short protein forms R341Q.
Identifiers: ClinVar variation 2502396 (VCV002502396.1), dbSNP rs2492281384, ClinGen allele CA377768958.

ClinVar aggregate classification (germline): Uncertain significance (1 of 4 stars; one submission).

Conditions:
GRID1-associated neurodevelopmental disorder.

Allele frequency attached by ClinVar (database versions not stated): gnomAD exomes below 0.00001.
gnomAD v4.1: 1 of 1,614,094 alleles (0.000062%); highest among the groups gnomAD compares: Non-Finnish European, 0.000085%; no homozygotes.

Submission:

Institute of Human Genetics, University of Leipzig Medical Center
Classification: Uncertain significance for GRID1-associated neurodevelopmental disorder. Last evaluated: 2023-05-08. Review status: criteria provided, single submitter. Criteria: ACMG Guidelines, 2015. Collection method: research. Allele origin: unknown. Affected: yes. Observed: 1 variant allele, 1 homozygote.
Comment: This variant is predicted to diminish the binding affinity of GluD1 and Cbln2, but in-vivo studies did not detect any constitutive activity or changes in variant receptor responses